The following is an entry in ClinVar:

NM_000535.7(PMS2):c.1423G>T (p.Val475Leu)

Gene: PMS2 (PMS1 homolog 2, mismatch repair system component; minus strand). Cytogenetic location: 7p22.1.
Variant type: single nucleotide variant.
Coding change: c.1423G>T on transcript NM_000535.7 (MANE Select); coding-DNA position 1423, G replaced by T.
Protein change: p.Val475Leu; replaces valine 475 with leucine.
Molecular consequence: missense variant. On other transcripts: non-coding transcript variant (1).
Genome position (GRCh38, 1-based): chr7:5,987,342, C>A on the plus strand (G>T on the coding strand, the complement: PMS2 is on the minus strand). VCF-style: chr7-5987342-C-A. GRCh37 (hg19) VCF-style: chr7-6026973-C-A.
Other names: c.1018G>T, p.Val340Leu (NM_001322003.2, NM_001322004.2, NM_001322005.2 and 1 more transcripts); c.1267G>T, p.Val423Leu (NM_001322006.2); c.1105G>T, p.Val369Leu (NM_001322007.2, NM_001322008.2); c.862G>T, p.Val288Leu (NM_001322010.2); c.490G>T, p.Val164Leu (NM_001322011.2, NM_001322012.2); c.850G>T, p.Val284Leu (NM_001322013.2); c.1423G>T, p.Val475Leu (NM_001322014.2); c.1114G>T, p.Val372Leu (NM_001322015.2); short protein forms V475L, V164L, V423L, V288L, V284L, V372L, V340L, V369L.
Identifiers: ClinVar variation 455652 (VCV000455652.8), dbSNP rs864622579, ClinGen allele CA366742035.

ClinVar aggregate classification (germline): Uncertain significance (1 of 4 stars; one submission).

Conditions:
Hereditary nonpolyposis colorectal neoplasms. Identifiers: MedGen C0009405, MeSH D003123.

Submission:

Labcorp Genetics (formerly Invitae), Labcorp
Classification: Uncertain significance for Hereditary nonpolyposis colorectal neoplasms. Last evaluated: 2022-10-13. Review status: criteria provided, single submitter. Criteria: Invitae Variant Classification Sherloc (09022015). Collection method: clinical testing. Allele origin: germline.
Comment: This sequence change replaces valine, which is neutral and non-polar, with leucine, which is neutral and non-polar, at codon 475 of the PMS2 protein (p.Val475Leu). In summary, the available evidence is currently insufficient to determine the role of this variant in disease. Therefore, it has been classified as a Variant of Uncertain Significance. Advanced modeling of protein sequence and biophysical properties (such as structural, functional, and spatial information, amino acid conservation, physicochemical variation, residue mobility, and thermodynamic stability) performed at Invitae indicates that this missense variant is not expected to disrupt PMS2 protein function. ClinVar contains an entry for this variant (Variation ID: 455652). This variant has not been reported in the literature in individuals affected with PMS2-related conditions. This variant is not present in population databases (gnomAD no frequency).